The following is an entry in ClinVar:

ClinVar aggregate classification (germline): Benign/Likely benign. Review status: criteria provided, multiple submitters, no conflicts (2 of 4 stars). 2 submissions from 2 submitters: Benign (1); Likely benign (1). Last evaluated 2024-04-02.

Conditions:
Spastic ataxia 2. Also called: Ataxia, spastic, 2, autosomal recessive. Identifiers: Orphanet 397946, MedGen C1969796, MONDO:0012651, OMIM 611302.

Allele frequency attached by ClinVar (database versions not stated): ESP Exome Variant Server 0.00008; 1000 Genomes Project 30x 0.00016; 1000 Genomes Project 0.00020.
gnomAD v4.1: 370 of 1,603,932 alleles (0.023%); highest among the groups gnomAD compares: South Asian, 0.35%; 3 homozygotes.

Submissions (2):

Labcorp Genetics (formerly Invitae), Labcorp
Classification: Benign for Spastic ataxia 2. Last evaluated: 2024-04-02. Review status: criteria provided, single submitter. Criteria: Invitae Variant Classification Sherloc (09022015). Collection method: clinical testing. Allele origin: germline.

CeGaT Center for Human Genetics Tuebingen
Classification: Likely benign. Last evaluated: 2024-01-01. Review status: criteria provided, single submitter. Criteria: CeGaT Center For Human Genetics Tuebingen Variant Classification Criteria Version 2. Collection method: clinical testing. Allele origin: germline. Affected: yes. Observed: 1 variant allele.
Comment: KIF1C: BS2

NM_006612.6(KIF1C):c.1302G>T (p.Gln434His)

Gene: KIF1C (kinesin family member 1C; plus strand). Cytogenetic location: 17p13.2.
Variant type: single nucleotide variant.
Coding change: c.1302G>T on transcript NM_006612.6 (MANE Select); coding-DNA position 1302, G replaced by T.
Protein change: p.Gln434His; replaces glutamine 434 with histidine.
Molecular consequence: missense variant.
Genome position (GRCh38, 1-based): chr17:5,007,051, G>T. VCF-style: chr17-5007051-G-T. GRCh37 (hg19) VCF-style: chr17-4910346-G-T.
Other names: short protein forms Q434H.
Identifiers: ClinVar variation 1987039 (VCV001987039.26), dbSNP rs144939400, ClinGen allele CA8318924.